The following is an entry in ClinVar:

NM_053025.4(MYLK):c.1087G>T (p.Val363Phe)

Gene: MYLK (myosin light chain kinase; minus strand). Cytogenetic location: 3q21.1.
Variant type: single nucleotide variant.
Coding change: c.1087G>T on transcript NM_053025.4 (MANE Select); coding-DNA position 1087, G replaced by T.
Protein change: p.Val363Phe; replaces valine 363 with phenylalanine.
Molecular consequence: missense variant.
Genome position (GRCh38, 1-based): chr3:123,733,909, C>A on the plus strand (G>T on the coding strand, the complement: MYLK is on the minus strand). VCF-style: chr3-123733909-C-A. GRCh37 (hg19) VCF-style: chr3-123452756-C-A.
Other names: c.559G>T, p.Val187Phe (NM_001321309.2); c.1087G>T, p.Val363Phe (NM_053026.4, NM_053027.4, NM_053028.4); short protein forms V187F, V363F.
Identifiers: ClinVar variation 4742837 (VCV004742837.1).

ClinVar aggregate classification (germline): Uncertain significance (1 of 4 stars; one submission).

Conditions:
Aortic aneurysm, familial thoracic 7 (AAT7). Also called: AORTIC DISSECTION, FAMILIAL, WITH OR WITHOUT AORTIC ANEURYSM. Identifiers: MedGen C3151077, MONDO:0013418, OMIM 613780.

gnomAD v4.1: 1 of 1,614,148 alleles (0.000062%); highest among the groups gnomAD compares: Non-Finnish European, 0.000085%; no homozygotes.

Submission:

Labcorp Genetics (formerly Invitae), Labcorp
Classification: Uncertain significance for Aortic aneurysm, familial thoracic 7. Last evaluated: 2025-07-29. Review status: criteria provided, single submitter. Criteria: Invitae Variant Classification Sherloc (09022015). Collection method: clinical testing. Allele origin: germline.
Comment: This sequence change replaces valine, which is neutral and non-polar, with phenylalanine, which is neutral and non-polar, at codon 363 of the MYLK protein (p.Val363Phe). This variant is not present in population databases (gnomAD no frequency). This variant has not been reported in the literature in individuals affected with MYLK-related conditions. Invitae Evidence Modeling of protein sequence and biophysical properties (such as structural, functional, and spatial information, amino acid conservation, physicochemical variation, residue mobility, and thermodynamic stability) indicates that this missense variant is not expected to disrupt MYLK protein function with a negative predictive value of 95%. In summary, the available evidence is currently insufficient to determine the role of this variant in disease. Therefore, it has been classified as a Variant of Uncertain Significance.